The following is an entry in ClinVar:

ClinVar aggregate classification (germline): Conflicting classifications of pathogenicity. Review status: criteria provided, conflicting classifications (1 of 4 stars). 2 submissions from 2 submitters: Uncertain significance (1); Likely benign (1). Last evaluated 2025-07-24.

Conditions:
Autosomal recessive limb-girdle muscular dystrophy type 2J (LGMDR10). Also called: Limb-girdle muscular dystrophy, type 2J; MUSCULAR DYSTROPHY, LIMB-GIRDLE, AUTOSOMAL RECESSIVE 10. Identifiers: Orphanet 140922, MedGen C1837342, MONDO:0012127, OMIM 608807.
Dilated cardiomyopathy 1G (CMD1G). Identifiers: Orphanet 154, MedGen C1858763, MONDO:0011400, OMIM 604145.

Allele frequency attached by ClinVar (database versions not stated): gnomAD exomes below 0.00001; ExAC 0.00001.
gnomAD v4.1: 1 of 1,613,582 alleles (0.000062%); highest among the groups gnomAD compares: Middle Eastern, 0.017%; no homozygotes.

Submissions (2):

Molecular Diagnostic Laboratory for Inherited Cardiovascular Disease, Montreal Heart Institute
Classification: Likely benign. Last evaluated: 2025-07-24. Review status: criteria provided, single submitter. Criteria: ACMG Guidelines, 2015. Collection method: clinical testing. Allele origin: germline. Affected: no.
Comment: BP1

Labcorp Genetics (formerly Invitae), Labcorp
Classification: Uncertain significance for Dilated cardiomyopathy 1G; Autosomal recessive limb-girdle muscular dystrophy type 2J. Last evaluated: 2017-11-06. Review status: criteria provided, single submitter. Criteria: Invitae Variant Classification Sherloc (09022015). Collection method: clinical testing. Allele origin: germline.

NM_001267550.2(TTN):c.23996G>C (p.Gly7999Ala)

Gene: TTN (titin; minus strand). Cytogenetic location: 2q31.2.
Variant type: single nucleotide variant.
Coding change: c.23996G>C on transcript NM_001267550.2 (MANE Select); coding-DNA position 23996, G replaced by C.
Protein change: p.Gly7999Ala; replaces glycine 7999 with alanine.
Molecular consequence: missense variant. On other transcripts: intron variant (3).
Genome position (GRCh38, 1-based): chr2:178,719,394, C>G on the plus strand (G>C on the coding strand, the complement: TTN is on the minus strand). VCF-style: chr2-178719394-C-G. GRCh37 (hg19) VCF-style: chr2-179584121-C-G.
Other names: c.23045G>C, p.Gly7682Ala (NM_001256850.1); c.20264G>C, p.Gly6755Ala (NM_133378.4); c.13282+18688G>C (NM_003319.4); c.13858+18688G>C (NM_133437.4); c.13657+18688G>C (NM_133432.3); short protein forms G7999A, G7682A, G6755A.
Identifiers: ClinVar variation 535674 (VCV000535674.4), dbSNP rs750389762, ClinGen allele CA2000518.